The following is an entry in ClinVar:

ClinVar aggregate classification (germline): Pathogenic (1 of 4 stars; one submission).

Conditions:
Complex neurodevelopmental disorder. Identifiers: Orphanet 528084, MedGen C5568766, MONDO:0100038.

Submission:

Victorian Clinical Genetics Services, Murdoch Childrens Research Institute
Classification: Pathogenic for Complex neurodevelopmental disorder. Last evaluated: 2024-11-19. Review status: criteria provided, single submitter. Criteria: ACMG Guidelines, 2015. Collection method: clinical testing. Allele origin: germline. Affected: yes.
Comment: This variant is classified as Pathogenic. Evidence in support of pathogenic classification: Variant is predicted to cause nonsense-mediated decay (NMD) and loss of protein (premature termination codon is located at least 54 nucleotides upstream of the final exon-exon junction); Variant is absent from gnomAD (v2, v3 and v4); Other NMD-predicted variant(s) comparable to the one identified in this case have very strong previous evidence for pathogenicity (DECIPHER). Additional information: This variant is heterozygous; This gene is associated with autosomal dominant disease; This variant has no previous evidence of pathogenicity; No published segregation evidence has been identified for this variant; No published functional evidence has been identified for this variant; Loss of function is a known mechanism of disease in this gene and is associated with complex neurodevelopmental disorder (MONDO:0100038), SHANK2-related; The condition associated with this gene has incomplete penetrance (OMIM).

NM_012309.5(SHANK2):c.1356del (p.Met453fs)

Gene: SHANK2 (SH3 and multiple ankyrin repeat domains 2; minus strand). Cytogenetic location: 11q13.4.
Variant type: Deletion.
Coding change: c.1356del on transcript NM_012309.5 (MANE Select); coding-DNA position 1356, one base deleted (G; older notation c.1356delG).
Protein change: p.Met453fs; shifts the reading frame from methionine 453.
Molecular consequence: frameshift variant.
Genome position (GRCh38, 1-based): chr11:70,820,501, C deleted on the plus strand (G on the coding strand, the reverse complement: SHANK2 is on the minus strand). VCF-style (leftmost placement, unchanged base first): chr11-70820500-TC-T. GRCh37 (hg19) VCF-style: chr11-70666605-TC-T.
Other names: c.1356del, p.Met453fs (NM_001441029.1, NM_001441030.1, NM_001441031.1 and 11 more transcripts); c.1284del, p.Met429fs (NM_001441038.1); c.219del, p.Met74fs (NM_001441040.1, NM_001441041.1, NM_001379226.1); c.1527del, p.Met510fs (NM_001441024.1); short protein forms M429fs, M453fs, M510fs, M74fs.
Identifiers: ClinVar variation 4531318 (VCV004531318.1).
Genomic context (GRCh38, chr11:70,820,500, plus strand): 5'-TGCGGGGCCCGGGCACGTAGCTCCCAATGGTCTTCGCGGCCCCCTCGGGCTTGCTGGGCA[TC>T]TGCTGCAGCAGCTGGGGTGACAGGCTGCGGTGCGAGGTGGCCGTGGAGCAGACGGCCCAG-3'